The following is an entry in ClinVar:

ClinVar aggregate classification (germline): Pathogenic (1 of 4 stars; one submission).

Submission:

Labcorp Genetics (formerly Invitae), Labcorp
Classification: Pathogenic. Last evaluated: 2025-09-10. Review status: criteria provided, single submitter. Criteria: Invitae Variant Classification Sherloc (09022015). Collection method: clinical testing. Allele origin: germline.
Comment: This sequence change creates a premature translational stop signal (p.Tyr1255*) in the TET2 gene. It is expected to result in an absent or disrupted protein product. Loss-of-function variants in TET2 are known to be pathogenic (PMID: 36066697). The frequency data for this variant in the population databases is considered unreliable, as metrics indicate poor data quality at this position in the gnomAD database. This variant has not been reported in the literature in individuals affected with TET2-related conditions. For these reasons, this variant has been classified as Pathogenic.

Literature cited by the submitters: PubMed 36066697.

NM_001127208.3(TET2):c.3764dup (p.Tyr1255Ter)

Genes: TET2 (tet methylcytosine dioxygenase 2; plus strand), TET2-AS1 (TET2 antisense RNA 1; minus strand). Cytogenetic location: 4q24.
Variant type: Duplication.
Coding change: c.3764dup on transcript NM_001127208.3 (MANE Select); coding-DNA position 3764, one base duplicated (A; older notation c.3764dupA).
Protein change: p.Tyr1255Ter; replaces tyrosine 1255 with a stop codon.
Molecular consequence: nonsense.
Genome position (GRCh38, 1-based): chr4:105,243,739, A duplicated. VCF-style (leftmost placement, unchanged base first): chr4-105243738-T-TA. GRCh37 (hg19) VCF-style: chr4-106164895-T-TA.
Other names: short protein forms Y1255*.
Identifiers: ClinVar variation 4765822 (VCV004765822.1).